The following is an entry in ClinVar:

ClinVar aggregate classification (germline): Uncertain significance (1 of 4 stars; one submission).

Conditions:
Joubert syndrome. Also called: CEREBELLOPARENCHYMAL DISORDER IV; JOUBERT-BOLTSHAUSER SYNDROME; Familial aplasia of the vermis. Identifiers: Orphanet 475, MedGen C5979921, MONDO:0018772.
Meckel-Gruber syndrome. Also called: DYSENCEPHALIA SPLANCHNOCYSTICA; GRUBER SYNDROME; Dysencephalia splachnocystica. Identifiers: Orphanet 564, MedGen C0265215, MONDO:0018921.

gnomAD v4.1: 1 of 1,613,766 alleles (0.000062%); highest among the groups gnomAD compares: Admixed American, 0.0017%; no homozygotes.

Submission:

Labcorp Genetics (formerly Invitae), Labcorp
Classification: Uncertain significance for Joubert syndrome; Meckel-Gruber syndrome. Last evaluated: 2024-02-24. Review status: criteria provided, single submitter. Criteria: Invitae Variant Classification Sherloc (09022015). Collection method: clinical testing. Allele origin: germline.
Comment: This sequence change replaces phenylalanine, which is neutral and non-polar, with isoleucine, which is neutral and non-polar, at codon 375 of the MKS1 protein (p.Phe375Ile). This variant is present in population databases (rs769312467, gnomAD 0.003%). This variant has not been reported in the literature in individuals affected with MKS1-related conditions. Advanced modeling of protein sequence and biophysical properties (such as structural, functional, and spatial information, amino acid conservation, physicochemical variation, residue mobility, and thermodynamic stability) performed at Invitae indicates that this missense variant is not expected to disrupt MKS1 protein function with a negative predictive value of 80%. In summary, the available evidence is currently insufficient to determine the role of this variant in disease. Therefore, it has been classified as a Variant of Uncertain Significance.

NM_017777.4(MKS1):c.1123T>A (p.Phe375Ile)

Gene: MKS1 (MKS transition zone complex subunit 1; minus strand). Cytogenetic location: 17q22.
Variant type: single nucleotide variant.
Coding change: c.1123T>A on transcript NM_017777.4 (MANE Select); coding-DNA position 1123, T replaced by A.
Protein change: p.Phe375Ile; replaces phenylalanine 375 with isoleucine.
Molecular consequence: missense variant.
Genome position (GRCh38, 1-based): chr17:58,208,147, A>T on the plus strand (T>A on the coding strand, the complement: MKS1 is on the minus strand). VCF-style: chr17-58208147-A-T. GRCh37 (hg19) VCF-style: chr17-56285508-A-T.
Other names: c.514T>A, p.Phe172Ile (NM_001321268.2); c.1123T>A, p.Phe375Ile (NM_001321269.2, NM_001330397.2, NM_001411113.1); short protein forms F172I, F375I.
Identifiers: ClinVar variation 3750242 (VCV003750242.2).